The following is an entry in ClinVar:

ClinVar aggregate classification (germline): Likely pathogenic (1 of 4 stars; one submission).

Conditions:
Primary dilated cardiomyopathy (DCM). Also called: Dilated Cardiomyopathy. Identifiers: Orphanet 217604, MedGen C0007193, MeSH D002311, MONDO:0005021, HP:0001644. Inheritance: Various modes of inheritance.

Submission:

Laboratory for Molecular Medicine, Mass General Brigham Personalized Medicine
Classification: Likely pathogenic for Primary dilated cardiomyopathy. Last evaluated: 2013-08-23. Review status: criteria provided, single submitter. Criteria: LMM Criteria. Collection method: clinical testing. Allele origin: germline. Inheritance: Autosomal dominant inheritance. Observed: 1 variant allele.
Comment: The Ala164fs variant in DSP has not been reported in individuals with cardiomyop athy or in large population studies. This frameshift variant is predicted to alt er the protein?s amino acid sequence beginning at position 164 and lead to a pre mature termination codon 23 amino acids downstream. This alteration is then pred icted to lead to a truncated or absent protein. Frameshift and nonsense variants in DSP are common in patients with ARVC, but recent evidence supports that they can also cause DCM (Elliott 2010, Garcia-Pavia 2011 ). In summary, this variant is likely to be pathogenic, though additional studie s are required to fully establish its clinical significance.

NM_004415.4(DSP):c.491_492delinsAGCTCGAGTCCCTCG (p.Ala164fs)

Gene: DSP (desmoplakin; plus strand). Cytogenetic location: 6p24.3.
Variant type: Indel.
Coding change: c.491_492delinsAGCTCGAGTCCCTCG on transcript NM_004415.4 (MANE Select); coding-DNA positions 491 to 492, CC replaced by AGCTCGAGTCCCTCG.
Protein change: p.Ala164fs; shifts the reading frame from alanine 164.
Molecular consequence: frameshift variant.
Genome position (GRCh38, 1-based): chr6:7,559,294-7,559,295, CC replaced by AGCTCGAGTCCCTCG. VCF-style: chr6-7559294-CC-AGCTCGAGTCCCTCG. GRCh37 (hg19) VCF-style: chr6-7559527-CC-AGCTCGAGTCCCTCG.
Other names: c.491_492delinsAGCTCGAGTCCCTCG, p.Ala164fs (NM_001008844.3, NM_001319034.2); short protein forms A164fs.
Identifiers: ClinVar variation 179249 (VCV000179249.4), dbSNP rs727504738, ClinGen allele CA006266.